The following is an entry in ClinVar:

NM_006904.7(PRKDC):c.6284C>T (p.Ala2095Val)

Gene: PRKDC (protein kinase, DNA-activated, catalytic subunit; minus strand). Cytogenetic location: 8q11.21.
Variant type: single nucleotide variant.
Coding change: c.6284C>T on transcript NM_006904.7 (MANE Select); coding-DNA position 6284, C replaced by T.
Protein change: p.Ala2095Val; replaces alanine 2095 with valine.
Molecular consequence: missense variant.
Genome position (GRCh38, 1-based): chr8:47,858,910, G>A on the plus strand (C>T on the coding strand, the complement: PRKDC is on the minus strand). VCF-style: chr8-47858910-G-A. GRCh37 (hg19) VCF-style: chr8-48771471-G-A.
Other names: c.6284C>T, p.Ala2095Val (NM_001081640.2); short protein forms A2095V.
Identifiers: ClinVar variation 952474 (VCV000952474.5), dbSNP rs8178147, ClinGen allele CA4740401.

ClinVar aggregate classification (germline): Uncertain significance. Review status: criteria provided, multiple submitters, no conflicts (2 of 4 stars). 2 submissions from 2 submitters: Uncertain significance (2). Last evaluated 2021-08-13.

Conditions:
Severe combined immunodeficiency due to DNA-PKcs deficiency. Also called: IMMUNODEFICIENCY 26 WITH NEUROLOGIC ABNORMALITIES; Immunodeficiency 26 with or without neurologic abnormalities. Identifiers: Orphanet 317425, MedGen C4014833, MONDO:0014423, OMIM 615966.

Allele frequency attached by ClinVar (database versions not stated): gnomAD 0.00001; gnomAD exomes 0.00003 and 0.00004; TOPMed 0.00003; ExAC 0.00005.
gnomAD v4.1: 61 of 1,613,626 alleles (0.0038%); highest among the groups gnomAD compares: Non-Finnish European, 0.0047%; no homozygotes.

Submissions (2):

Labcorp Genetics (formerly Invitae), Labcorp
Classification: Uncertain significance for Severe combined immunodeficiency due to DNA-PKcs deficiency. Last evaluated: 2021-08-13. Review status: criteria provided, single submitter. Criteria: Invitae Variant Classification Sherloc (09022015). Collection method: clinical testing. Allele origin: germline.

Baylor Genetics
Classification: Uncertain significance for Severe combined immunodeficiency due to DNA-PKcs deficiency. Last evaluated: 2018-06-22. Review status: criteria provided, single submitter. Criteria: ACMG Guidelines, 2015. Collection method: clinical testing. Allele origin: maternal. Affected: yes.
Comment: This variant was determined to be of uncertain significance according to ACMG Guidelines, 2015 [PMID:25741868].